The following is an entry in ClinVar:

NM_001372044.2(SHANK3):c.3836del (p.Gln1279fs)

Gene: SHANK3 (SH3 and multiple ankyrin repeat domains 3; plus strand). Cytogenetic location: 22q13.33.
Variant type: Deletion.
Coding change: c.3836del on transcript NM_001372044.2 (MANE Select); coding-DNA position 3836, one base deleted (A; older notation c.3836delA).
Protein change: p.Gln1279fs; shifts the reading frame from glutamine 1279.
Molecular consequence: frameshift variant.
Genome position (GRCh38, 1-based): chr22:50,721,444, A deleted. VCF-style (leftmost placement, unchanged base first): chr22-50721443-CA-C. GRCh37 (hg19) VCF-style: chr22-51159871-CA-C.
Other names: c.3611delA, p.Gln1204Argfs (NM_033517.1); short protein forms Q1279fs.
Identifiers: ClinVar variation 3235819 (VCV003235819.1), dbSNP rs2518428548, ClinGen allele CA2825002894.

ClinVar aggregate classification (germline): Likely pathogenic (1 of 4 stars; one submission).

Conditions:
Phelan-McDermid syndrome. Also called: TELOMERIC 22q13 MONOSOMY SYNDROME; 22q13.3 deletion syndrome; Phelan-McDermid Syndrome-SHANK3 Related. Identifiers: Orphanet 48652, MedGen C1853490, MONDO:0011652, OMIM 606232.

Submission:

Greenwood Genetic Center Diagnostic Laboratories, Greenwood Genetic Center
Classification: Likely pathogenic for Phelan-McDermid syndrome. Last evaluated: 2024-03-26. Review status: criteria provided, single submitter. Criteria: ACMG Guidelines, 2015. Collection method: clinical testing. Allele origin: germline. Affected: yes.
Comment: PVS1, PM2